The following is an entry in ClinVar:

NM_000255.4(MMUT):c.421G>A (p.Ala141Thr)

Gene: MMUT (methylmalonyl-CoA mutase; minus strand). Cytogenetic location: 6p12.3.
Variant type: single nucleotide variant.
Coding change: c.421G>A on transcript NM_000255.4 (MANE Select); coding-DNA position 421, G replaced by A.
Protein change: p.Ala141Thr; replaces alanine 141 with threonine.
Molecular consequence: missense variant.
Genome position (GRCh38, 1-based): chr6:49,458,023, C>T on the plus strand (G>A on the coding strand, the complement: MMUT is on the minus strand). VCF-style: chr6-49458023-C-T. GRCh37 (hg19) VCF-style: chr6-49425736-C-T.
Other names: short protein forms A141T.
Identifiers: ClinVar variation 557678 (VCV000557678.4), dbSNP rs1554160730, ClinGen allele CA364404763.

ClinVar aggregate classification (germline): Likely pathogenic. Review status: criteria provided, single submitter (1 of 4 stars). 2 submissions from 2 submitters: Likely pathogenic (1). 1 of the submissions does not count toward it.

Conditions:
Methylmalonic aciduria due to methylmalonyl-CoA mutase deficiency (MAMM). Also called: Methylmalonic aciduria, mut type. Identifiers: Orphanet 27, MedGen C1855114, MONDO:0009612, OMIM 251000.

Submissions (2):

Juno Genomics, Hangzhou Juno Genomics, Inc
Classification: Likely pathogenic for Methylmalonic aciduria due to methylmalonyl-CoA mutase deficiency. Review status: criteria provided, single submitter. Criteria: ACMG Guidelines, 2015. Collection method: clinical testing. Allele origin: germline.
Comment: Absent from controls (or at extremely low frequency if recessive) in Genome Aggregation Database.;Multiple lines of computational evidence support a deleterious effect on the gene or gene product.;For recessive disorders, detected in trans with a pathogenic variant.;Patient's phenotype or family history is highly specific for a disease with a single genetic etiology.

Counsyl
Classification: Uncertain significance for Methylmalonic aciduria due to methylmalonyl-CoA mutase deficiency. Last evaluated: 2018-04-11. Review status: no assertion criteria provided. Collection method: clinical testing. Allele origin: unknown. Not counted in ClinVar's aggregate classification.

Literature cited by the submitters: PubMed 26454439 (cited by Counsyl).